The following is an entry in ClinVar:

NM_012123.4(MTO1):c.535+4C>T

Gene: MTO1 (mitochondrial tRNA translation optimization 1; plus strand). Cytogenetic location: 6q13.
Variant type: single nucleotide variant.
Coding change: c.535+4C>T on transcript NM_012123.4 (MANE Select); 4 bases into the intron after coding-DNA position 535, C replaced by T.
Molecular consequence: intron variant.
Genome position (GRCh38, 1-based): chr6:73,466,610, C>T. VCF-style: chr6-73466610-C-T. GRCh37 (hg19) VCF-style: chr6-74176333-C-T.
Other names: c.535+4C>T (NM_133645.3, NM_001123226.2).
Identifiers: ClinVar variation 2083321 (VCV002083321.1), dbSNP rs751392916, ClinGen allele CA3889369.

ClinVar aggregate classification (germline): Uncertain significance (1 of 4 stars; one submission).

Conditions:
Mitochondrial hypertrophic cardiomyopathy with lactic acidosis due to MTO1 deficiency. Also called: CARDIOMYOPATHY, INFANTILE HYPERTROPHIC MITOCHONDRIAL, AND LACTIC ACIDOSIS; Combined oxidative phosphorylation deficiency 10. Identifiers: Orphanet 314637, MedGen C4749921, MONDO:0013865, OMIM 614702.

Allele frequency attached by ClinVar (database versions not stated): ExAC 0.00001; gnomAD 0.00001; gnomAD exomes 0.00001.
gnomAD v4.1: 10 of 1,607,048 alleles (0.00062%); highest among the groups gnomAD compares: South Asian, 0.0022%; no homozygotes.

Submission:

Labcorp Genetics (formerly Invitae), Labcorp
Classification: Uncertain significance for Mitochondrial hypertrophic cardiomyopathy with lactic acidosis due to MTO1 deficiency. Last evaluated: 2022-06-30. Review status: criteria provided, single submitter. Criteria: Invitae Variant Classification Sherloc (09022015). Collection method: clinical testing. Allele origin: germline.
Comment: This sequence change falls in intron 3 of the MTO1 gene. It does not directly change the encoded amino acid sequence of the MTO1 protein. It affects a nucleotide within the consensus splice site. This variant is not present in population databases (gnomAD no frequency). This variant has not been reported in the literature in individuals affected with MTO1-related conditions. Variants that disrupt the consensus splice site are a relatively common cause of aberrant splicing (PMID: 17576681, 9536098). Algorithms developed to predict the effect of sequence changes on RNA splicing suggest that this variant is not likely to affect RNA splicing. In summary, the available evidence is currently insufficient to determine the role of this variant in disease. Therefore, it has been classified as a Variant of Uncertain Significance.

Literature cited by the submitters: PubMed 17576681; PubMed 9536098.